The following is an entry in ClinVar:

NM_000384.3(APOB):c.11107C>T (p.Arg3703Cys)

Gene: APOB (apolipoprotein B; minus strand). Cytogenetic location: 2p24.1.
Variant type: single nucleotide variant.
Coding change: c.11107C>T on transcript NM_000384.3 (MANE Select); coding-DNA position 11107, C replaced by T.
Protein change: p.Arg3703Cys; replaces arginine 3703 with cysteine.
Molecular consequence: missense variant.
Genome position (GRCh38, 1-based): chr2:21,005,761, G>A on the plus strand (C>T on the coding strand, the complement: APOB is on the minus strand). VCF-style: chr2-21005761-G-A. GRCh37 (hg19) VCF-style: chr2-21228633-G-A.
Other names: short protein forms R3703C.
Identifiers: ClinVar variation 2927950 (VCV002927950.4), dbSNP rs777896608, ClinGen allele CA045543.

ClinVar aggregate classification (germline): Conflicting classifications of pathogenicity. Review status: criteria provided, conflicting classifications (1 of 4 stars). 2 submissions from 2 submitters: Uncertain significance (1); Likely benign (1). Last evaluated 2026-08-24.

Conditions:
Familial hypobetalipoproteinemia 1. Also called: APOB-Related Familial Hypobetalipoproteinemia; Hypobetalipoproteinemia, normotriglyceridemic; Acanthocytosis with hypobetalipoproteinemia. Identifiers: MedGen C4551990, MONDO:0014252, OMIM 615558.
Hypercholesterolemia, autosomal dominant, type B (FHCL2). Also called: Familial hypercholesterolemia 2; Hyperlipoproteinemia Type IIb; Familial Hypercholesterolemia Type B; APOB-Related Familial Hypercholesterolemia, Autosomal Dominant; APOLIPOPROTEIN B-100, FAMILIAL DEFECTIVE; APOLIPOPROTEIN B-100, FAMILIAL LIGAND-DEFECTIVE. Identifiers: MedGen C1704417, MONDO:0007751, OMIM 144010.
Cardiovascular phenotype. Identifiers: MedGen CN230736.

Allele frequency attached by ClinVar (database versions not stated): ExAC 0.00002; gnomAD exomes 0.00001 and 0.00002.
gnomAD v4.1: 15 of 1,613,952 alleles (0.00093%); highest among the groups gnomAD compares: East Asian, 0.025%; no homozygotes.

Submissions (2):

Ambry Genetics
Classification: Uncertain significance for Cardiovascular phenotype. Last evaluated: 2026-08-24. Review status: criteria provided, single submitter. Criteria: Ambry Variant Classification Scheme 2023. Collection method: clinical testing. Allele origin: germline.
Comment: The p.R3703C variant (also known as c.11107C>T), located in coding exon 26 of the APOB gene, results from a C to T substitution at nucleotide position 11107. The arginine at codon 3703 is replaced by cysteine, an amino acid with highly dissimilar properties. This amino acid position is conserved. In addition, this alteration is predicted to be tolerated by in silico analysis. Based on the available evidence, the clinical significance of this variant remains unclear.

Labcorp Genetics (formerly Invitae), Labcorp
Classification: Likely benign for Familial hypobetalipoproteinemia 1; Hypercholesterolemia, autosomal dominant, type B. Last evaluated: 2023-01-14. Review status: criteria provided, single submitter. Criteria: Invitae Variant Classification Sherloc (09022015). Collection method: clinical testing. Allele origin: germline.